The following is an entry in ClinVar:

NM_004444.5(EPHB4):c.1666A>G (p.Ile556Val)

Gene: EPHB4 (EPH receptor B4; minus strand). Cytogenetic location: 7q22.1.
Variant type: single nucleotide variant.
Coding change: c.1666A>G on transcript NM_004444.5 (MANE Select); coding-DNA position 1666, A replaced by G.
Protein change: p.Ile556Val; replaces isoleucine 556 with valine.
Molecular consequence: missense variant.
Genome position (GRCh38, 1-based): chr7:100,813,944, T>C on the plus strand (A>G on the coding strand, the complement: EPHB4 is on the minus strand). VCF-style: chr7-100813944-T-C. GRCh37 (hg19) VCF-style: chr7-100411566-T-C.
Other names: short protein forms I556V.
Identifiers: ClinVar variation 4018810 (VCV004018810.1).

ClinVar aggregate classification (germline): Uncertain significance (1 of 4 stars; one submission).

Conditions:
Cardiovascular phenotype. Identifiers: MedGen CN230736.

gnomAD v4.1: 2 of 1,614,070 alleles (0.00012%); highest among the groups gnomAD compares: Non-Finnish European, 0.00017%; no homozygotes.

Submission:

Ambry Genetics
Classification: Uncertain significance for Cardiovascular phenotype. Last evaluated: 2025-05-14. Review status: criteria provided, single submitter. Criteria: Ambry Variant Classification Scheme 2023. Collection method: clinical testing. Allele origin: germline.
Comment: The p.I556V variant (also known as c.1666A>G), located in coding exon 9 of the EPHB4 gene, results from an A to G substitution at nucleotide position 1666. The isoleucine at codon 556 is replaced by valine, an amino acid with highly similar properties. This amino acid position is conserved. In addition, this alteration is predicted to be tolerated by in silico analysis. Based on the available evidence, the clinical significance of this variant remains unclear.